The following is an entry in ClinVar:

ClinVar aggregate classification (germline): Benign. Review status: criteria provided, multiple submitters, no conflicts (2 of 4 stars). 4 submissions from 4 submitters: Benign (3). 1 of the submissions does not count toward it. Last evaluated 2018-01-13.

Conditions:
Familial dysautonomia. Also called: FD; HSAN III. Identifiers: Orphanet 1764, MedGen C0013364, MONDO:0009131, OMIM 223900. Disease mechanism: loss of function.

Allele frequency attached by ClinVar (database versions not stated): gnomAD exomes 0.03423; gnomAD 0.05104 and 0.05296; TOPMed 0.05605; 1000 Genomes Project 0.06889; 1000 Genomes Project 30x 0.06902.
gnomAD v4.1: 8,213 of 156,866 alleles (5.2%); highest among the groups gnomAD compares: East Asian, 12%; 333 homozygotes.

Submissions (4):

Illumina Laboratory Services, Illumina
Classification: Benign for Familial dysautonomia. Last evaluated: 2018-01-13. Review status: criteria provided, single submitter. Criteria: ICSL Variant Classification Criteria 13 December 2019. Collection method: clinical testing. Allele origin: germline.
Comment: This variant was observed in the ICSL laboratory as part of a predisposition screen in an ostensibly healthy population. It had not been previously curated by ICSL or reported in the Human Gene Mutation Database (HGMD: prior to June 1st, 2018), and was therefore a candidate for classification through an automated scoring system. Utilizing variant allele frequency, disease prevalence and penetrance estimates, and inheritance mode, an automated score was calculated to assess if this variant is too frequent to cause the disease. Based on the score and internal cut-off values, a variant classified as benign is not then subjected to further curation. The score for this variant resulted in a classification of benign for this disease.

GeneDx
Classification: Benign. Last evaluated: 2014-05-13. Review status: criteria provided, single submitter. Criteria: GeneDx Variant Classification (06012015). Collection method: clinical testing. Allele origin: germline. Affected: yes.
Comment: This variant is considered likely benign or benign based on one or more of the following criteria: it is a conservative change, it occurs at a poorly conserved position in the protein, it is predicted to be benign by multiple in silico algorithms, and/or has population frequency not consistent with disease.

Breakthrough Genomics
Classification: Benign. Review status: criteria provided, single submitter. Criteria: ACMG Guidelines, 2015. Collection method: not provided. Allele origin: germline. Inheritance: Autosomal recessive inheritance. Affected: yes.

Natera, Inc.
Classification: Benign for Familial dysautonomia. Last evaluated: 2017-05-10. Review status: no assertion criteria provided. Collection method: clinical testing. Allele origin: germline. Not counted in ClinVar's aggregate classification.

NM_003640.5(ELP1):c.-71G>C

Gene: ELP1 (elongator acetyltransferase complex subunit 1; minus strand). Cytogenetic location: 9q31.3.
Variant type: single nucleotide variant.
Coding change: c.-71G>C on transcript NM_003640.5 (MANE Select); 71 bases upstream of the start codon, G replaced by C.
Molecular consequence: 5 prime UTR variant.
Genome position (GRCh38, 1-based): chr9:108,933,879, C>G on the plus strand (G>C on the coding strand, the complement: ELP1 is on the minus strand). VCF-style: chr9-108933879-C-G. GRCh37 (hg19) VCF-style: chr9-111696159-C-G.
Other names: c.-71G>C (LRG_251t1); c.-268G>C (NM_001318360.2); c.-930G>C (NM_001330749.2).
Identifiers: ClinVar variation 137584 (VCV000137584.10), dbSNP rs2275639, ClinGen allele CA291240.